The following is an entry in ClinVar:

ClinVar aggregate classification (germline): Benign. Review status: criteria provided, multiple submitters, no conflicts (2 of 4 stars). 5 submissions from 5 submitters: Benign (4). 1 of the submissions does not count toward it. Last evaluated 2026-01-19.

Conditions:
GCSH-related disorder. Also called: GCSH-related condition.
Glycine encephalopathy. Also called: Nonketotic hyperglycinemia; Non-ketotic hyperglycinemia. Identifiers: Orphanet 407, MedGen C0751748, MONDO:0011612, HP:0008288.

Allele frequency attached by ClinVar (database versions not stated): gnomAD exomes 0.54037; ExAC 0.64815; 1000 Genomes Project 0.72264; 1000 Genomes Project 30x 0.73907; gnomAD 0.79247 and 0.79504.

Submissions (5):

Labcorp Genetics (formerly Invitae), Labcorp
Classification: Benign for Glycine encephalopathy. Last evaluated: 2026-01-19. Review status: criteria provided, single submitter. Criteria: Invitae Variant Classification Sherloc (09022015). Collection method: clinical testing. Allele origin: germline.

Genome-Nilou Lab
Classification: Benign for Glycine encephalopathy 1. Last evaluated: 2021-08-10. Review status: criteria provided, single submitter. Criteria: ACMG Guidelines, 2015. Collection method: clinical testing. Allele origin: germline. Affected: no.

GeneDx
Classification: Benign. Last evaluated: 2021-05-04. Review status: criteria provided, single submitter. Criteria: GeneDx Variant Classification Process June 2021. Collection method: clinical testing. Allele origin: germline. Affected: yes.

Breakthrough Genomics
Classification: Benign. Review status: criteria provided, single submitter. Criteria: ACMG Guidelines, 2015. Collection method: not provided. Allele origin: germline. Inheritance: Autosomal recessive inheritance. Affected: yes.

PreventionGenetics, part of Exact Sciences
Classification: Benign for GCSH-related condition. Last evaluated: 2020-11-25. Review status: no assertion criteria provided. Collection method: clinical testing. Allele origin: germline. Not counted in ClinVar's aggregate classification.
Comment: This variant is classified as benign based on ACMG/AMP sequence variant interpretation guidelines (Richards et al. 2015 PMID: 25741868, with internal and published modifications).

NM_004483.5(GCSH):c.62C>T (p.Ser21Leu)

Genes: GCSH (glycine cleavage system protein H; minus strand), LOC130059495 (ATAC-STARR-seq lymphoblastoid silent region 7751; plus strand). Cytogenetic location: 16q23.2.
Variant type: single nucleotide variant.
Coding change: c.62C>T on transcript NM_004483.5 (MANE Select); coding-DNA position 62, C replaced by T.
Protein change: p.Ser21Leu; replaces serine 21 with leucine.
Molecular consequence: missense variant. On other transcripts: non-coding transcript variant (1).
Genome position (GRCh38, 1-based): chr16:81,096,217, G>A on the plus strand (C>T on the coding strand, the complement: GCSH is on the minus strand). VCF-style: chr16-81096217-G-A. GRCh37 (hg19) VCF-style: chr16-81129822-G-A.
Other names: c.62C>T (NM_004483.4); short protein forms S21L.
Identifiers: ClinVar variation 1164317 (VCV001164317.15), dbSNP rs8052579, ClinGen allele CA8186829.